The following is an entry in ClinVar:

ClinVar aggregate classification (germline): Likely benign (1 of 4 stars; one submission).

Conditions:
Catecholaminergic polymorphic ventricular tachycardia (CVPT). Also called: Catecholamine-induced polymorphic ventricular tachycardia. Identifiers: Orphanet 3286, MedGen C5574922, MONDO:0017990.

Submission:

All of Us Research Program, National Institutes of Health
Classification: Likely benign for Catecholaminergic polymorphic ventricular tachycardia. Last evaluated: 2023-10-06. Review status: criteria provided, single submitter. Criteria: ACMG Guidelines, 2015. Collection method: clinical testing. Allele origin: germline. Inheritance: Autosomal dominant inheritance. Observed: 1 variant allele, 1 heterozygote.
Comment: This study involves interpretation of variants in research participants for the purpose of population health screening. Participant phenotype was not available at the time of variant classification. Additional details can be found in publication PMID: 35346344, PMCID: PMC8962531

NM_001035.3(RYR2):c.12456C>T (p.Ile4152=)

Genes: RYR2 (ryanodine receptor 2; plus strand), LOC126806068 (BRD4-independent group 4 enhancer GRCh37_chr1:237947411-237948610; plus strand). Cytogenetic location: 1q43.
Variant type: single nucleotide variant.
Coding change: c.12456C>T on transcript NM_001035.3 (MANE Select); coding-DNA position 12456, C replaced by T.
Protein change: p.Ile4152=; no amino-acid change (isoleucine 4152 retained).
Molecular consequence: synonymous variant.
Genome position (GRCh38, 1-based): chr1:237,784,168, C>T. VCF-style: chr1-237784168-C-T. GRCh37 (hg19) VCF-style: chr1-237947468-C-T.
Identifiers: ClinVar variation 3073680 (VCV003073680.1), dbSNP rs2527784391, ClinGen allele CA424032212.
Genomic context (GRCh38, chr1:237,784,168, plus strand): 5'-TCTGGGCCGCATCGAAATCATGGGAAGCGCCAAACGCATCGAGAGGGTCTATTTTGAAAT[C>T]AGTGAGTCCAGCCGAACCCAGTGGGAGAAGCCCCAGGTCAAGGAGTCCAAAAGACAGTTC-3'
Protein context (NP_001026.2, residues 4142-4162): AKRIERVYFE[Ile4152=]SESSRTQWEK